The following is an entry in ClinVar:

ClinVar aggregate classification (germline): Uncertain significance (1 of 4 stars; one submission).

Conditions:
Hypertrophic cardiomyopathy. Also called: HYPERTROPHIC MYOCARDIOPATHY. Identifiers: Orphanet 217569, MedGen C0007194, MeSH D002312, MONDO:0005045, HP:0001639.

Submission:

Labcorp Genetics (formerly Invitae), Labcorp
Classification: Uncertain significance for Hypertrophic cardiomyopathy. Last evaluated: 2025-06-25. Review status: criteria provided, single submitter. Criteria: Invitae Variant Classification Sherloc (09022015). Collection method: clinical testing. Allele origin: germline.
Comment: This sequence change replaces phenylalanine, which is neutral and non-polar, with leucine, which is neutral and non-polar, at codon 735 of the MYH7 protein (p.Phe735Leu). This variant is not present in population databases (gnomAD no frequency). This variant has not been reported in the literature in individuals affected with MYH7-related conditions. ClinVar contains an entry for this variant (Variation ID: 2748129). Invitae Evidence Modeling of protein sequence and biophysical properties (such as structural, functional, and spatial information, amino acid conservation, physicochemical variation, residue mobility, and thermodynamic stability) indicates that this missense variant is expected to disrupt MYH7 protein function with a positive predictive value of 95%. In summary, the available evidence is currently insufficient to determine the role of this variant in disease. Therefore, it has been classified as a Variant of Uncertain Significance.

NM_000257.4(MYH7):c.2205C>G (p.Phe735Leu)

Gene: MYH7 (myosin heavy chain 7; minus strand). Cytogenetic location: 14q11.2.
Variant type: single nucleotide variant.
Coding change: c.2205C>G on transcript NM_000257.4 (MANE Select); coding-DNA position 2205, C replaced by G.
Protein change: p.Phe735Leu; replaces phenylalanine 735 with leucine.
Molecular consequence: missense variant.
Genome position (GRCh38, 1-based): chr14:23,425,776, G>C on the plus strand (C>G on the coding strand, the complement: MYH7 is on the minus strand). VCF-style: chr14-23425776-G-C. GRCh37 (hg19) VCF-style: chr14-23894985-G-C.
Other names: c.2205C>G, p.Phe735Leu (NM_001407004.1); short protein forms F735L.
Identifiers: ClinVar variation 2748129 (VCV002748129.3), dbSNP rs2502288320, ClinGen allele CA389048913.